The following is an entry in ClinVar:

ClinVar aggregate classification (germline): Likely benign. Review status: criteria provided, multiple submitters, no conflicts (2 of 4 stars). 2 submissions from 2 submitters: Likely benign (2). Last evaluated 2025-12-06.

Conditions:
Deficiency of ferroxidase (ACEP). Also called: Aceruloplasminemia; Ceruloplasmin deficiency; Familial apoceruloplasmin deficiency; Hereditary ceruloplasmin deficiency; Deficiency of ceruloplasmin; NEURODEGENERATION WITH BRAIN IRON ACCUMULATION 10. Identifiers: Orphanet 48818, MedGen C0878682, MONDO:0011426, OMIM 604290, HP:0025498.

Allele frequency attached by ClinVar (database versions not stated): ExAC 0.00003; gnomAD 0.00005; TOPMed 0.00005; gnomAD exomes 0.00007; ESP Exome Variant Server 0.00015.
gnomAD v4.1: 112 of 1,613,730 alleles (0.0069%); highest among the groups gnomAD compares: Non-Finnish European, 0.0085%; no homozygotes.

Submissions (2):

Labcorp Genetics (formerly Invitae), Labcorp
Classification: Likely benign for Deficiency of ferroxidase. Last evaluated: 2025-12-06. Review status: criteria provided, single submitter. Criteria: Invitae Variant Classification Sherloc (09022015). Collection method: clinical testing. Allele origin: germline.

CeGaT Center for Human Genetics Tuebingen
Classification: Likely benign. Last evaluated: 2023-08-01. Review status: criteria provided, single submitter. Criteria: CeGaT Center For Human Genetics Tuebingen Variant Classification Criteria Version 2. Collection method: clinical testing. Allele origin: germline. Affected: yes. Observed: 1 variant allele.
Comment: CP: BP4, BP7

NM_000096.4(CP):c.678A>G (p.Glu226=)

Gene: CP (ceruloplasmin; minus strand). Cytogenetic location: 3q25.1.
Variant type: single nucleotide variant.
Coding change: c.678A>G on transcript NM_000096.4 (MANE Select); coding-DNA position 678, A replaced by G.
Protein change: p.Glu226=; no amino-acid change (glutamic acid 226 retained).
Molecular consequence: synonymous variant. On other transcripts: non-coding transcript variant (1).
Genome position (GRCh38, 1-based): chr3:149,209,314, T>C on the plus strand (A>G on the coding strand, the complement: CP is on the minus strand). VCF-style: chr3-149209314-T-C. GRCh37 (hg19) VCF-style: chr3-148927101-T-C.
Identifiers: ClinVar variation 2654217 (VCV002654217.25), dbSNP rs372825584, ClinGen allele CA2661262.
Genomic context (GRCh38, chr3:149,209,314, plus strand): 5'-AACTTTCTCTGGTTCTGAGCAGTAGGTTTTAATGTTGTCTTCTAGGTACCAGCTGAAATT[T>C]TCATCCACCACAGAAAACATCACCACAAATTCTCGGTCAATATGTTTTTCTTTTTCTTTA-3'
Protein context (NP_000087.2, residues 216-236): EFVVMFSVVD[Glu226=]NFSWYLEDNI